The following is an entry in ClinVar:

ClinVar aggregate classification (germline): Likely benign. Review status: criteria provided, multiple submitters, no conflicts (2 of 4 stars). 3 submissions from 3 submitters: Likely benign (3). Last evaluated 2025-06-23.

Conditions:
Early-infantile DEE. Also called: Ohtahara syndrome; Early infantile epileptic encephalopathy; Early infantile epileptic encephalopathy with suppression bursts. Identifiers: Orphanet 1934, MedGen C0393706, MONDO:0800491.

Allele frequency attached by ClinVar (database versions not stated): gnomAD 0.00002; gnomAD exomes 0.00002 and 0.00008; TOPMed 0.00003; ExAC 0.00008.
gnomAD v4.1: 38 of 1,613,668 alleles (0.0024%); highest among the groups gnomAD compares: East Asian, 0.02%; no homozygotes.

Submissions (3):

Labcorp Genetics (formerly Invitae), Labcorp
Classification: Likely benign for Early-infantile DEE. Last evaluated: 2025-06-23. Review status: criteria provided, single submitter. Criteria: Invitae Variant Classification Sherloc (09022015). Collection method: clinical testing. Allele origin: germline.

Blueprint Genetics
Classification: Likely benign. Last evaluated: 2024-09-02. Review status: criteria provided, single submitter. Criteria: ACMG Guidelines, 2015. Collection method: clinical testing. Allele origin: germline.

GeneDx
Classification: Likely benign. Last evaluated: 2019-02-22. Review status: criteria provided, single submitter. Criteria: GeneDx Variant Classification Process June 2021. Collection method: clinical testing. Allele origin: germline. Affected: yes.
Comment: This variant is associated with the following publications: (PMID: 22848613)

NM_001165963.4(SCN1A):c.2378C>T (p.Thr793Met)

Gene: SCN1A (sodium voltage-gated channel alpha subunit 1; minus strand). Cytogenetic location: 2q24.3.
Variant type: single nucleotide variant.
Coding change: c.2378C>T on transcript NM_001165963.4 (MANE Select); coding-DNA position 2378, C replaced by T.
Protein change: p.Thr793Met; replaces threonine 793 with methionine.
Molecular consequence: missense variant. On other transcripts: 5 prime UTR variant (1), non-coding transcript variant (1).
Genome position (GRCh38, 1-based): chr2:166,041,268, G>A on the plus strand (C>T on the coding strand, the complement: SCN1A is on the minus strand). VCF-style: chr2-166041268-G-A. GRCh37 (hg19) VCF-style: chr2-166897778-G-A.
Other names: p.T793M:ACG>ATG; c.2294C>T, p.Thr765Met (NM_001165964.3, NM_001353957.2, NM_001353958.2); c.2378C>T, p.Thr793Met (NM_001202435.3, NM_001353948.2); c.2345C>T, p.Thr782Met (NM_001353949.2, NM_001353950.2, NM_001353951.2 and 2 more transcripts); c.2342C>T, p.Thr781Met (NM_001353954.2, NM_001353955.2); c.2291C>T, p.Thr764Met (NM_001353960.2); c.-81C>T (NM_001353961.2); short protein forms T782M, T793M, T781M, T764M, T765M.
Identifiers: ClinVar variation 206781 (VCV000206781.16), dbSNP rs762038032, ClinGen allele CA317287.
Genomic context (GRCh38, chr2:166,041,268, plus strand): 5'-CATTTACCTTCCAATATGCTTACCAAGTTTCCTACTGTAAGCACATTATTGAAATGGTCC[G>A]TCATTGGATAGTGCTCCATGGCCATGAAAAGAGTATTTAAGACAATACAGATGGTGATGG-3'
Protein context (NP_001159435.1, residues 783-803): LFMAMEHYPM[Thr793Met]DHFNNVLTVG